The following is an entry in ClinVar:

ClinVar aggregate classification (germline): Uncertain significance (1 of 4 stars; one submission).

Allele frequency attached by ClinVar (database versions not stated): gnomAD 0.00001; TOPMed 0.00001; ExAC 0.00003; ESP Exome Variant Server 0.00008.
gnomAD v4.1: 39 of 1,613,874 alleles (0.0024%); highest among the groups gnomAD compares: Admixed American, 0.005%; no homozygotes.

Submission:

Labcorp Genetics (formerly Invitae), Labcorp
Classification: Uncertain significance. Last evaluated: 2022-01-25. Review status: criteria provided, single submitter. Criteria: Invitae Variant Classification Sherloc (09022015). Collection method: clinical testing. Allele origin: germline.
Comment: In summary, the available evidence is currently insufficient to determine the role of this variant in disease. Therefore, it has been classified as a Variant of Uncertain Significance. Algorithms developed to predict the effect of missense changes on protein structure and function (SIFT, PolyPhen-2, Align-GVGD) all suggest that this variant is likely to be tolerated. This variant has not been reported in the literature in individuals affected with ARHGEF10-related conditions. This variant is present in population databases (rs369967335, gnomAD 0.009%). This sequence change replaces proline, which is neutral and non-polar, with leucine, which is neutral and non-polar, at codon 379 of the ARHGEF10 protein (p.Pro379Leu).

NM_014629.4(ARHGEF10):c.1136C>T (p.Pro379Leu)

Gene: ARHGEF10 (Rho guanine nucleotide exchange factor 10; plus strand). Cytogenetic location: 8p23.3.
Variant type: single nucleotide variant.
Coding change: c.1136C>T on transcript NM_014629.4 (MANE Select); coding-DNA position 1136, C replaced by T.
Protein change: p.Pro379Leu; replaces proline 379 with leucine.
Molecular consequence: missense variant.
Genome position (GRCh38, 1-based): chr8:1,885,661, C>T. VCF-style: chr8-1885661-C-T. GRCh37 (hg19) VCF-style: chr8-1833827-C-T.
Other names: c.1022C>T, p.Pro341Leu (NM_001308152.2); c.1139C>T, p.Pro380Leu (NM_001308153.3); short protein forms P379L, P341L, P404L, P380L.
Identifiers: ClinVar variation 1936573 (VCV001936573.5), dbSNP rs369967335, ClinGen allele CA4600225.